The following is an entry in ClinVar:

NM_001004742.3(OR5M3):c.375G>A (p.Gly125=)

Gene: OR5M3 (olfactory receptor family 5 subfamily M member 3; minus strand). Cytogenetic location: 11q12.1.
Variant type: single nucleotide variant.
Coding change: c.375G>A on transcript NM_001004742.3 (MANE Select); coding-DNA position 375, G replaced by A.
Protein change: p.Gly125=; no amino-acid change (glycine 125 retained).
Molecular consequence: synonymous variant.
Genome position (GRCh38, 1-based): chr11:56,470,123, C>T on the plus strand (G>A on the coding strand, the complement: OR5M3 is on the minus strand). VCF-style: chr11-56470123-C-T. GRCh37 (hg19) VCF-style: chr11-56237599-C-T.
Identifiers: ClinVar variation 4084314 (VCV004084314.8).

ClinVar aggregate classification (germline): Likely benign (1 of 4 stars; one submission).

Submission:

CeGaT Center for Human Genetics Tuebingen
Classification: Likely benign. Last evaluated: 2026-07-01. Review status: criteria provided, single submitter. Criteria: CeGaT Center For Human Genetics Tuebingen Variant Classification Criteria Version 2. Collection method: clinical testing. Allele origin: germline. Affected: yes. Observed: 2 variant alleles.
Comment: OR5M3: BP4, BP7